The following is an entry in ClinVar:

NM_015981.4(CAMK2A):c.1235A>C (p.Asn412Thr)

Gene: CAMK2A (calcium/calmodulin dependent protein kinase II alpha; minus strand). Cytogenetic location: 5q32.
Variant type: single nucleotide variant.
Coding change: c.1235A>C on transcript NM_015981.4 (MANE Select); coding-DNA position 1235, A replaced by C.
Protein change: p.Asn412Thr; replaces asparagine 412 with threonine.
Molecular consequence: missense variant.
Genome position (GRCh38, 1-based): chr5:150,228,194, T>G on the plus strand (A>C on the coding strand, the complement: CAMK2A is on the minus strand). VCF-style: chr5-150228194-T-G. GRCh37 (hg19) VCF-style: chr5-149607757-T-G.
Other names: c.1235A>C, p.Asn412Thr (NM_001363989.1); c.1202A>C, p.Asn401Thr (NM_001363990.1, NM_001369025.2, NM_171825.3); short protein forms N401T, N412T.
Identifiers: ClinVar variation 2539624 (VCV002539624.4), dbSNP rs763794315, ClinGen allele CA3509550.
Genomic context (GRCh38, chr5:150,228,194, plus strand): 5'-CAGCAGGACATGGAACGAGAGCAGACAACAGGCACCACAGAGAGAAGGAATTGCTCACGG[T>G]TTTCAAAATAGAATCGATGGAAGTCCAGGCCCTCAACCAGGTTCCCCAGGGCCTCAGGTT-3'
Protein context (NP_057065.2, residues 402-422): GLDFHRFYFE[Asn412Thr]LWSRNSKPVH

ClinVar aggregate classification (germline): Conflicting classifications of pathogenicity. Review status: criteria provided, conflicting classifications (1 of 4 stars). 2 submissions from 2 submitters: Uncertain significance (1); Likely benign (1). Last evaluated 2026-01-02.

Conditions:
Inborn genetic diseases. Identifiers: MedGen C0950123, MeSH D030342.

Allele frequency attached by ClinVar (database versions not stated): gnomAD exomes 0.00001; ExAC 0.00002.
gnomAD v4.1: 11 of 1,610,236 alleles (0.00068%); highest among the groups gnomAD compares: Non-Finnish European, 0.00093%; no homozygotes.

Submissions (2):

Dasa
Classification: Uncertain significance. Last evaluated: 2026-01-02. Review status: criteria provided, single submitter. Criteria: DASA Assertion Criteria. Collection method: clinical testing. Allele origin: germline.
Comment: NM_015981.4(CAMK2A):c.1235A>C (p.Asn412Thr) is a missense variant that results in the substitution of asparagine with threonine. This variant is rare in population databases. The currently available literature and clinical evidence are not sufficient to establish a definitive association between this variant and the reported condition. Therefore, this variant is classified as a variant of uncertain significance.

Ambry Genetics
Classification: Likely benign for Inborn genetic diseases. Last evaluated: 2023-04-20. Review status: criteria provided, single submitter. Criteria: Ambry Variant Classification Scheme 2023. Collection method: clinical testing. Allele origin: germline.